The following is an entry in ClinVar:

ClinVar aggregate classification (germline): Conflicting classifications of pathogenicity. Review status: criteria provided, conflicting classifications (1 of 4 stars). 5 submissions from 5 submitters: Uncertain significance (3); Likely benign (2). Last evaluated 2026-01-16.

Conditions:
Inborn genetic diseases. Identifiers: MedGen C0950123, MeSH D030342.
Hereditary spastic paraplegia 30. Identifiers: Orphanet 101010, MedGen C5235139, MONDO:0012476.
Neuropathy, hereditary sensory, type 2C. Also called: KIF1A-Related HSAN2 (HSAN2C); Hereditary sensory and autonomic neuropathy type IIC. Identifiers: Orphanet 970, MedGen C3280168, MONDO:0013634, OMIM 614213.
Intellectual disability, autosomal dominant 9 (NESCAVS). Also called: KIF1A-Related Neurodevelopmental Disorder; NESCAV SYNDROME. Identifiers: Orphanet 662367, MedGen C5393830, MONDO:0013656, OMIM 614255.

Allele frequency attached by ClinVar (database versions not stated): gnomAD 0.00001; gnomAD exomes 0.00003 and 0.00005; TOPMed 0.00004; ESP Exome Variant Server 0.00008.
gnomAD v4.1: 46 of 1,563,934 alleles (0.0029%); highest among the groups gnomAD compares: Admixed American, 0.017%; no homozygotes.

Submissions (5):

Ambry Genetics
Classification: Likely benign for Inborn genetic diseases. Last evaluated: 2026-01-16. Review status: criteria provided, single submitter. Criteria: Ambry Variant Classification Scheme 2023. Collection method: clinical testing. Allele origin: germline.

Labcorp Genetics (formerly Invitae), Labcorp
Classification: Likely benign for Hereditary spastic paraplegia 30; Neuropathy, hereditary sensory, type 2C; Intellectual disability, autosomal dominant 9. Last evaluated: 2025-12-22. Review status: criteria provided, single submitter. Criteria: Invitae Variant Classification Sherloc (09022015). Collection method: clinical testing. Allele origin: germline.

GeneDx
Classification: Uncertain significance. Last evaluated: 2024-09-05. Review status: criteria provided, single submitter. Criteria: GeneDx Variant Classification Process June 2021. Collection method: clinical testing. Allele origin: germline. Affected: yes.
Comment: In silico analysis supports that this missense variant has a deleterious effect on protein structure/function; Has not been previously published as pathogenic or benign to our knowledge

Illumina Laboratory Services, Illumina
Classification: Uncertain significance for Spastic paraplegia 30A, autosomal dominant. Last evaluated: 2018-01-12. Review status: criteria provided, single submitter. Criteria: ICSL Variant Classification Criteria 13 December 2019. Collection method: clinical testing. Allele origin: germline.

Breakthrough Genomics
Classification: Uncertain significance. Review status: criteria provided, single submitter. Criteria: ACMG Guidelines, 2015. Collection method: not provided. Allele origin: germline. Inheritance: Autosomal recessive inheritance. Affected: yes.

NM_001244008.2(KIF1A):c.4529C>T (p.Pro1510Leu)

Gene: KIF1A (kinesin family member 1A; minus strand). Cytogenetic location: 2q37.3.
Variant type: single nucleotide variant.
Coding change: c.4529C>T on transcript NM_001244008.2 (MANE Select); coding-DNA position 4529, C replaced by T.
Protein change: p.Pro1510Leu; replaces proline 1510 with leucine.
Molecular consequence: missense variant.
Genome position (GRCh38, 1-based): chr2:240,722,592, G>A on the plus strand (C>T on the coding strand, the complement: KIF1A is on the minus strand). VCF-style: chr2-240722592-G-A. GRCh37 (hg19) VCF-style: chr2-241662009-G-A.
Other names: c.4253C>T, p.Pro1418Leu (NM_001320705.2, NM_001379649.1); c.4280C>T, p.Pro1427Leu (NM_001330289.2); c.4328C>T, p.Pro1443Leu (NM_001330290.2, NM_001379648.1); c.4604C>T, p.Pro1535Leu (NM_001379631.1); c.4505C>T, p.Pro1502Leu (NM_001379632.1); c.4502C>T, p.Pro1501Leu (NM_001379633.1, NM_001379645.1); c.4355C>T, p.Pro1452Leu (NM_001379634.1); c.4352C>T, p.Pro1451Leu (NM_001379635.1, NM_001379646.1); and 7 more; short protein forms P1510L, P1409L, P1427L, P1443L, P1418L, P1408L, P1417L, P1426L.
Identifiers: ClinVar variation 335260 (VCV000335260.23), dbSNP rs368005947, ClinGen allele CA10612901.